The following is an entry in ClinVar:

ClinVar aggregate classification (germline): Pathogenic. Review status: criteria provided, single submitter (1 of 4 stars). 2 submissions from 2 submitters: Pathogenic (1). 1 of the submissions does not count toward it. Last evaluated 2015-01-28.

Submissions (2):

Eurofins Ntd Llc (ga)
Classification: Pathogenic. Last evaluated: 2015-01-28. Review status: criteria provided, single submitter. Criteria: EGL Classification Definitions. Collection method: clinical testing. Allele origin: germline. Observed: 1 variant allele, 1 heterozygote.

ZMPSTE24 homepage - Leiden Muscular Dystrophy pages
No classification provided. Review status: no classification provided. Collection method: not provided. Allele origin: germline. Not counted in ClinVar's aggregate classification.
Comment: probably has functional consequence

NM_005857.5(ZMPSTE24):c.1263dup (p.Ala422fs)

Gene: ZMPSTE24 (zinc metallopeptidase STE24; plus strand). Cytogenetic location: 1p34.2.
Variant type: Duplication.
Coding change: c.1263dup on transcript NM_005857.5 (MANE Select); coding-DNA position 1263, one base duplicated (T; older notation c.1263dupT).
Protein change: p.Ala422fs; shifts the reading frame from alanine 422.
Molecular consequence: frameshift variant.
Genome position (GRCh38, 1-based): chr1:40,292,504, T duplicated; the last of 3 consecutive T bases (chr1:40,292,502-40,292,504); duplicating any one gives the same sequence. VCF-style (leftmost placement, unchanged base first): chr1-40292501-A-AT. GRCh37 (hg19) VCF-style: chr1-40758173-A-AT.
Other names: c.1263dup (LRG_212t1); short protein forms A422fs.
Identifiers: ClinVar variation 140517 (VCV000140517.7), dbSNP rs281875375, ClinGen allele CA200731.